The following is an entry in ClinVar:

ClinVar aggregate classification (germline): Pathogenic/Likely pathogenic. Review status: criteria provided, multiple submitters, no conflicts (2 of 4 stars). 4 submissions from 4 submitters: Pathogenic (1); Likely pathogenic (3). Last evaluated 2022-05-06.

Conditions:
Succinate-semialdehyde dehydrogenase deficiency (SSADHD). Also called: SSADH DEFICIENCY; 4-HYDROXYBUTYRIC ACIDURIA; GABA METABOLIC DEFECT; Succinic Semialdehyde Dehydrogenase Deficiency. Identifiers: Orphanet 22, MedGen C0268631, MONDO:0010083, OMIM 271980.
Inborn genetic diseases. Identifiers: MedGen C0950123, MeSH D030342.
ALDH5A1-related disorder. Also called: ALDH5A1-related condition.

Allele frequency attached by ClinVar (database versions not stated): gnomAD exomes below 0.00001; gnomAD 0.00001; TOPMed 0.00001.
gnomAD v4.1: 8 of 1,614,126 alleles (0.0005%); highest among the groups gnomAD compares: South Asian, 0.0011%; no homozygotes.

Submissions (4):

Labcorp Genetics (formerly Invitae), Labcorp
Classification: Pathogenic for Succinate-semialdehyde dehydrogenase deficiency. Last evaluated: 2022-05-06. Review status: criteria provided, single submitter. Criteria: Invitae Variant Classification Sherloc (09022015). Collection method: clinical testing. Allele origin: germline.
Comment: Experimental studies have shown that this missense change affects ALDH5A1 function (PMID: 32402538). For these reasons, this variant has been classified as Pathogenic. Advanced modeling of protein sequence and biophysical properties (such as structural, functional, and spatial information, amino acid conservation, physicochemical variation, residue mobility, and thermodynamic stability) performed at Invitae indicates that this missense variant is expected to disrupt ALDH5A1 protein function. This missense change has been observed in individual(s) with succinic semialdehyde dehydrogenase deficiency (PMID: 19484191, 32402538). This variant is present in population databases (no rsID available, gnomAD 0.003%). This sequence change replaces cysteine, which is neutral and slightly polar, with arginine, which is basic and polar, at codon 223 of the ALDH5A1 protein (p.Cys223Arg).

Elsea Laboratory, Baylor College of Medicine
Classification: Likely pathogenic for Succinate-semialdehyde dehydrogenase deficiency. Last evaluated: 2021-03-08. Review status: criteria provided, single submitter. Criteria: Martin et al. (J Child Neurol. 2021). Collection method: curation. Allele origin: germline. Affected: yes.
Comment: NAD binding domain

Ambry Genetics
Classification: Likely pathogenic for Inborn genetic diseases. Last evaluated: 2020-12-07. Review status: criteria provided, single submitter. Criteria: Ambry Variant Classification Scheme 2023. Collection method: clinical testing. Allele origin: germline.
Comment: The c.667T>C (p.C223R) alteration is located in exon 4 (coding exon 4) of the ALDH5A1 gene. This alteration results from a T to C substitution at nucleotide position 667, causing the cysteine (C) at amino acid position 223 to be replaced by an arginine (R). Based on the available evidence, this alteration is classified as likely pathogenic.

Blueprint Genetics
Classification: Likely pathogenic for ALDH5A1-related disorders. Last evaluated: 2019-07-22. Review status: criteria provided, single submitter. Criteria: ACMG Guidelines, 2015. Collection method: clinical testing. Allele origin: germline. Affected: yes. Observed: 1 variant allele.

Literature cited by the submitters: PubMed 32402538 (cited by Labcorp Genetics (formerly Invitae), Labcorp); PubMed 19484191 (cited by Labcorp Genetics (formerly Invitae), Labcorp and Elsea Laboratory, Baylor College of Medicine); PubMed 33203024 (cited by Elsea Laboratory, Baylor College of Medicine).

NM_001080.3(ALDH5A1):c.667T>C (p.Cys223Arg)

Gene: ALDH5A1 (aldehyde dehydrogenase 5 family member A1; plus strand). Cytogenetic location: 6p22.3.
Variant type: single nucleotide variant.
Coding change: c.667T>C on transcript NM_001080.3 (MANE Select); coding-DNA position 667, T replaced by C.
Protein change: p.Cys223Arg; replaces cysteine 223 with arginine.
Molecular consequence: missense variant.
Genome position (GRCh38, 1-based): chr6:24,504,926, T>C. VCF-style: chr6-24504926-T-C. GRCh37 (hg19) VCF-style: chr6-24505154-T-C.
Other names: c.667T>C, p.Cys223Arg (NM_001368954.1, NM_170740.1); short protein forms C223R.
Identifiers: ClinVar variation 1810825 (VCV001810825.8), dbSNP rs1380589911, ClinGen allele CA362970091.